The following is an entry in ClinVar:

NM_138801.3(GALM):c.424G>A (p.Gly142Arg)

Gene: GALM (galactose mutarotase; plus strand). Cytogenetic location: 2p22.1.
Variant type: single nucleotide variant.
Coding change: c.424G>A on transcript NM_138801.3 (MANE Select); coding-DNA position 424, G replaced by A.
Protein change: p.Gly142Arg; replaces glycine 142 with arginine.
Molecular consequence: missense variant.
Genome position (GRCh38, 1-based): chr2:38,681,358, G>A. VCF-style: chr2-38681358-G-A. GRCh37 (hg19) VCF-style: chr2-38908500-G-A.
Other names: short protein forms G142R.
Identifiers: ClinVar variation 873023 (VCV000873023.9), dbSNP rs114440198, ClinGen allele CA1621534.

ClinVar aggregate classification (germline): Conflicting classifications of pathogenicity. Review status: criteria provided, conflicting classifications (1 of 4 stars). 6 submissions from 6 submitters: Pathogenic (1); Uncertain significance (4). 1 of the submissions does not count toward it. Last evaluated 2026-01-05.

Conditions:
Galactosemia 4. Also called: GALACTOSEMIA IV; GALACTOSE MUTAROTASE DEFICIENCY. Identifiers: Orphanet 570422, MedGen C5394377, MONDO:0030105, OMIM 618881.
Inborn genetic diseases. Identifiers: MedGen C0950123, MeSH D030342.
GALM-related disorder. Also called: GALM-related condition.

Allele frequency attached by ClinVar (database versions not stated): gnomAD exomes 0.00021 and 0.00048; ExAC 0.00062; gnomAD 0.00185 and 0.00194; TOPMed 0.00200; ESP Exome Variant Server 0.00223; 1000 Genomes Project 0.00240; 1000 Genomes Project 30x 0.00250.
gnomAD v4.1: 597 of 1,614,110 alleles (0.037%); highest among the groups gnomAD compares: African/African-American, 0.64%; 3 homozygotes.

Submissions (6):

PreventionGenetics, part of Exact Sciences
Classification: Uncertain significance for GALM-related condition. Last evaluated: 2026-01-05. Review status: criteria provided, single submitter. Criteria: ACMG Guidelines, 2015. Collection method: clinical testing. Allele origin: germline.
Comment: The GALM c.424G>A variant is predicted to result in the amino acid substitution p.Gly142Arg. This variant has been reported in the homozygous state or with a second GALM variant in numerous individuals with galactosemia; in several of the individuals, GALT, GALK1 and GALE genes were also examined but no variants were identified in those genes that could explain their diagnoses (Wada et al. 2019. PubMed ID: 30451973; Mikami-Saito et al. 2024. PubMed ID: 38762772; van Konijnenburg et al. 2025. PubMed ID: 40265446). Experimental studies were consistent with the Gly142Arg substitution impacting galactose mutarotase protein function (Wada et al. 2019. PubMed ID: 30451973). However, this variant is reported in 0.64% of alleles in individuals of African descent in gnomAD, including one homozygous individual, which is more frequent than expected for a pathogenic variant. Although we suspect that this variant may be pathogenic, at this time its clinical significance is uncertain due to the absence of conclusive functional and genetic evidence.

Ambry Genetics
Classification: Uncertain significance for Inborn genetic diseases. Last evaluated: 2025-10-27. Review status: criteria provided, single submitter. Criteria: Ambry Variant Classification Scheme 2023. Collection method: clinical testing. Allele origin: germline.
Comment: The c.424G>A (p.G142R) alteration is located in exon 3 (coding exon 3) of the GALM gene. This alteration results from a G to A substitution at nucleotide position 424, causing the glycine (G) at amino acid position 142 to be replaced by an arginine (R). Based on data from gnomAD, the A allele has an overall frequency of 0.063% (178/282864) total alleles studied. The highest observed frequency was 0.637% (159/24960) of African alleles. This variant has been identified in the homozygous state and/or in conjunction with other GALM variant(s) in individual(s) with features consistent with GALM-related galactosemia (Wada, 2019; Mikami-Saito, 2024; van Konijnenburg, 2025). This amino acid position is highly conserved in available vertebrate species. In an assay testing GALM function, this variant showed a functionally abnormal result (Iwasawa, 2019; Wada, 2019). This alteration is predicted to be deleterious by in silico analysis. Based on insufficient or conflicting evidence, the clinical significance of this alteration remains unclear.

Women's Health and Genetics/Laboratory Corporation of America, LabCorp
Classification: Uncertain significance. Last evaluated: 2024-06-21. Review status: criteria provided, single submitter. Criteria: LabCorp Variant Classification Summary - May 2015. Collection method: clinical testing. Allele origin: germline.
Comment: Variant summary: GALM c.424G>A (p.Gly142Arg) results in a non-conservative amino acid change in the encoded protein sequence. Five of five in-silico tools predict a damaging effect of the variant on protein function. The variant allele was found at a frequency of 0.00037 in 1614110 control chromosomes, predominantly at a frequency of 0.0064 within the African or African-American subpopulation in the gnomAD database (v4), including 3 homozygotes. The observed variant frequency within African or African-American control individuals in the gnomAD database (v4) exceeds the estimated maximal expected allele frequency for a pathogenic variant in GALM causing Galactosemia 4 phenotype. c.424G>A has been reported in the literature in multiple individuals affected with Galactosemia 4 (Wada_2019). At least one publication reports experimental evidence evaluating an impact on protein function, and shows that this variant affects protein expression and stability (Wada_2019). The following publication have been ascertained in the context of this evaluation (PMID: 30451973). ClinVar contains an entry for this variant (Variation ID: 873023). Based on the evidence outlined above, the variant was classified as uncertain significance.

Labcorp Genetics (formerly Invitae), Labcorp
Classification: Uncertain significance. Last evaluated: 2024-01-16. Review status: criteria provided, single submitter. Criteria: Invitae Variant Classification Sherloc (09022015). Collection method: clinical testing. Allele origin: germline.
Comment: This sequence change replaces glycine, which is neutral and non-polar, with arginine, which is basic and polar, at codon 142 of the GALM protein (p.Gly142Arg). This variant is present in population databases (rs114440198, gnomAD 0.6%), and has an allele count higher than expected for a pathogenic variant. This missense change has been observed in individual(s) with galactosemia (PMID: 30451973). ClinVar contains an entry for this variant (Variation ID: 873023). Advanced modeling of protein sequence and biophysical properties (such as structural, functional, and spatial information, amino acid conservation, physicochemical variation, residue mobility, and thermodynamic stability) performed at Invitae indicates that this missense variant is expected to disrupt GALM protein function with a positive predictive value of 80%. Experimental studies have shown that this missense change affects GALM function (PMID: 30910422). In summary, the available evidence is currently insufficient to determine the role of this variant in disease. Therefore, it has been classified as a Variant of Uncertain Significance.

Mendelics
Classification: Pathogenic for Galactosemia 4. Last evaluated: 2022-05-04. Review status: criteria provided, single submitter. Criteria: Mendelics Assertion Criteria 2019. Collection method: clinical testing. Allele origin: germline.

OMIM
Classification: Pathogenic for GALACTOSEMIA IV. Last evaluated: 2020-05-14. Review status: no assertion criteria provided. Collection method: literature only. Allele origin: germline. Not counted in ClinVar's aggregate classification.

Literature cited by the submitters: PubMed 30451973 (cited by 4 submitters); PubMed 30910422 (cited by Ambry Genetics and Labcorp Genetics (formerly Invitae), Labcorp).